The following is an entry in ClinVar:

ClinVar aggregate classification (germline): Uncertain significance. Review status: criteria provided, multiple submitters, no conflicts (2 of 4 stars). 3 submissions from 3 submitters: Uncertain significance (2). 1 of the submissions does not count toward it. Last evaluated 2023-02-01.

Conditions:
CCDC78-related disorder. Also called: CCDC78-related condition.
Congenital myopathy with internal nuclei and atypical cores. Also called: Myopathy, centronuclear, 4. Identifiers: Orphanet 319160, MedGen C4707232, MONDO:0013890, OMIM 614807.

Allele frequency attached by ClinVar (database versions not stated): TOPMed 0.00001; gnomAD 0.00002; gnomAD exomes 0.00003.
gnomAD v4.1: 11 of 1,548,934 alleles (0.00071%); highest among the groups gnomAD compares: African/African-American, 0.0027%; no homozygotes.

Submissions (3):

PreventionGenetics, part of Exact Sciences
Classification: Uncertain significance for CCDC78-related condition. Last evaluated: 2023-02-01. Review status: criteria provided, single submitter. Criteria: ACMG Guidelines, 2015. Collection method: clinical testing. Allele origin: germline.
Comment: The CCDC78 c.61-1G>A variant is predicted to disrupt the AG splice acceptor site and interfere with normal splicing. This variant is predicted to alter splicing based on available splicing prediction programs (Alamut Visual Plus v1.6.1). This variant was reported to segregate with disease in a family with a novel congenital myopathy (Majczenko et al. 2012. PubMed ID: 22818856). Functional studies showed that this variant led to exon skipping in those affected individuals (Majczenko et al. 2012. PubMed ID: 22818856). This variant is reported in 0.011% of alleles in individuals of African descent in gnomAD. Alteration of splicing is not an established mechanism of CCDC78 associated disease. Although we suspect that this variant may be pathogenic, at this time, the clinical significance of this variant is uncertain due to the absence of conclusive functional and genetic evidence.

Labcorp Genetics (formerly Invitae), Labcorp
Classification: Uncertain significance for Congenital myopathy with internal nuclei and atypical cores. Last evaluated: 2022-02-03. Review status: criteria provided, single submitter. Criteria: Invitae Variant Classification Sherloc (09022015). Collection method: clinical testing. Allele origin: germline.
Comment: Algorithms developed to predict the effect of variants on protein structure and function are not available or were not evaluated for this variant. ClinVar contains an entry for this variant (Variation ID: 37091). Disruption of this splice site has been observed in individual(s) with congenital myopathy (PMID: 22818856). It has also been observed to segregate with disease in related individuals. This variant is present in population databases (no rsID available, gnomAD 0.01%). This sequence change affects an acceptor splice site in intron 1 of the CCDC78 gene. RNA analysis indicates that disruption of this splice site induces altered splicing and likely results in the gain of 74 amino acid residue(s), but is expected to preserve the integrity of the reading-frame. Experimental studies have shown that disruption of this splice site affects CCDC78 function (PMID: 22818856). In summary, the available evidence is currently insufficient to determine the role of this variant in disease. Therefore, it has been classified as a Variant of Uncertain Significance. Studies have shown that disruption of this splice site results in the activation of a cryptic splice site in intron 1 (PMID: 22818856).

OMIM
Classification: Pathogenic for MYOPATHY, CENTRONUCLEAR 4. Last evaluated: 2012-08-10. Review status: no assertion criteria provided. Collection method: literature only. Allele origin: germline. Not counted in ClinVar's aggregate classification.

Literature cited by the submitters: PubMed 22818856 (cited by Labcorp Genetics (formerly Invitae), Labcorp and OMIM).

NM_001378030.1(CCDC78):c.61-1G>A

Gene: CCDC78 (coiled-coil domain containing 78; minus strand). Cytogenetic location: 16p13.3.
Variant type: single nucleotide variant.
Coding change: c.61-1G>A on transcript NM_001378030.1 (MANE Select); the canonical splice acceptor site of the intron before coding-DNA position 61, G replaced by A.
Molecular consequence: splice acceptor variant. On other transcripts: non-coding transcript variant (1).
Genome position (GRCh38, 1-based): chr16:726,086, C>T on the plus strand (G>A on the coding strand, the complement: CCDC78 is on the minus strand). VCF-style: chr16-726086-C-T. GRCh37 (hg19) VCF-style: chr16-776086-C-T.
Other names: IVS1AS, G-A, -1; c.-225-1G>A (NM_001378033.1); c.61-1G>A (NM_001378031.1, NM_001031737.3).
Identifiers: ClinVar variation 37091 (VCV000037091.12), dbSNP rs1006891646, ClinGen allele CA276521088.